The following is an entry in ClinVar:

ClinVar aggregate classification (germline): Pathogenic. Review status: criteria provided, multiple submitters, no conflicts (2 of 4 stars). 3 submissions from 3 submitters: Pathogenic (3). Last evaluated 2026-05-29.

Conditions:
Cardiovascular phenotype. Identifiers: MedGen CN230736.
Arrhythmogenic right ventricular dysplasia 9 (ARVD9). Also called: Arrhythmogenic Right Ventricular Dysplasia/Cardiomyopathy 9; ARRHYTHMOGENIC RIGHT VENTRICULAR DYSPLASIA, FAMILIAL, 9. Identifiers: MedGen C1836906, MONDO:0012180, OMIM 609040.

Allele frequency attached by ClinVar (database versions not stated): gnomAD 0.00001; TOPMed below 0.00001.

Submissions (3):

Ambry Genetics
Classification: Pathogenic for Cardiovascular phenotype. Last evaluated: 2026-05-29. Review status: criteria provided, single submitter. Criteria: Ambry Variant Classification Scheme 2023. Collection method: clinical testing. Allele origin: germline.
Comment: The p.Y130* pathogenic mutation (also known as c.390C>G), located in coding exon 3 of the PKP2 gene, results from a C to G substitution at nucleotide position 390. This changes the amino acid from a tyrosine to a stop codon within coding exon 3. This variant was reported in individual(s) with features consistent with arrhythmogenic right ventricular cardiomyopathy (Orgeron GM et al. J Am Heart Assoc, 2017 Jun;6:). This alteration is expected to result in loss of function by premature protein truncation or nonsense-mediated mRNA decay. As such, this alteration is interpreted as a disease-causing mutation.

GeneDx
Classification: Pathogenic. Last evaluated: 2025-07-07. Review status: criteria provided, single submitter. Criteria: GeneDx Variant Classification Process June 2021. Collection method: clinical testing. Allele origin: germline. Affected: yes.
Comment: Nonsense variant predicted to result in protein truncation or nonsense mediated decay in a gene for which loss of function is a known mechanism of disease; Not observed at significant frequency in large population cohorts (gnomAD); This variant is associated with the following publications: (PMID: 32009526, 28588093, 34120153)

Labcorp Genetics (formerly Invitae), Labcorp
Classification: Pathogenic for Arrhythmogenic right ventricular dysplasia 9. Last evaluated: 2025-06-25. Review status: criteria provided, single submitter. Criteria: Invitae Variant Classification Sherloc (09022015). Collection method: clinical testing. Allele origin: germline.
Comment: This sequence change creates a premature translational stop signal (p.Tyr130*) in the PKP2 gene. It is expected to result in an absent or disrupted protein product. Loss-of-function variants in PKP2 are known to be pathogenic (PMID: 15489853, 17041889, 23911551). This variant is present in population databases (no rsID available, gnomAD 0.007%). This variant has not been reported in the literature in individuals affected with PKP2-related conditions. ClinVar contains an entry for this variant (Variation ID: 488711). For these reasons, this variant has been classified as Pathogenic.

Literature cited by the submitters: PubMed 28588093 (cited by Ambry Genetics); PubMed 15489853 (cited by Labcorp Genetics (formerly Invitae), Labcorp); PubMed 17041889 (cited by Labcorp Genetics (formerly Invitae), Labcorp); PubMed 23911551 (cited by Labcorp Genetics (formerly Invitae), Labcorp).

NM_001005242.3(PKP2):c.390C>G (p.Tyr130Ter)

Gene: PKP2 (plakophilin 2; minus strand). Cytogenetic location: 12p11.21.
Variant type: single nucleotide variant.
Coding change: c.390C>G on transcript NM_001005242.3 (MANE Select); coding-DNA position 390, C replaced by G.
Protein change: p.Tyr130Ter; replaces tyrosine 130 with a stop codon.
Molecular consequence: nonsense.
Genome position (GRCh38, 1-based): chr12:32,878,490, G>C on the plus strand (C>G on the coding strand, the complement: PKP2 is on the minus strand). VCF-style: chr12-32878490-G-C. GRCh37 (hg19) VCF-style: chr12-33031424-G-C.
Other names: c.390C>G, p.Tyr130Ter (NM_004572.4); short protein forms Y130*.
Identifiers: ClinVar variation 488711 (VCV000488711.12), dbSNP rs763303290, ClinGen allele CA384365407.